The following is an entry in ClinVar:

NM_001048174.2(MUTYH):c.1430del (p.Cys477fs)

Gene: MUTYH (mutY DNA glycosylase; minus strand). Cytogenetic location: 1p34.1.
Variant type: Deletion.
Coding change: c.1430del on transcript NM_001048174.2 (MANE Select); coding-DNA position 1430, one base deleted (G; older notation c.1430delG).
Protein change: p.Cys477fs; shifts the reading frame from cysteine 477.
Molecular consequence: frameshift variant. On other transcripts: non-coding transcript variant (2).
Genome position (GRCh38, 1-based): chr1:45,330,520, C deleted on the plus strand (G on the coding strand, the reverse complement: MUTYH is on the minus strand). VCF-style (leftmost placement, unchanged base first): chr1-45330519-AC-A. GRCh37 (hg19) VCF-style: chr1-45796191-AC-A.
Other names: c.1430del, p.Cys477fs (NM_001048171.2, NM_001048173.2, NM_001293195.2); c.1433del, p.Cys478fs (NM_001048172.2); c.1514del, p.Cys505fs (NM_001128425.2); c.1475del, p.Cys492fs (NM_001293190.2); c.1463del, p.Cys488fs (NM_001293191.2); c.1154del, p.Cys385fs (NM_001293192.2, NM_001293196.2); c.1085del, p.Cys362fs (NM_001350650.2, NM_001350651.2); c.1463delG, p.Cys488Leufs (NM_001407069.1, NM_001407077.1); and 10 more; short protein forms C477fs, C478fs, C488fs, C502fs, C492fs, C362fs, C385fs, C505fs.
Identifiers: ClinVar variation 1774280 (VCV001774280.2), dbSNP rs2523841162, ClinGen allele CA2580062885.

ClinVar aggregate classification (germline): Likely pathogenic (1 of 4 stars; one submission).

Conditions:
Hereditary cancer-predisposing syndrome. Also called: Hereditary Cancer Syndrome; Hereditary neoplastic syndrome; Neoplastic Syndromes, Hereditary; Tumor predisposition. Identifiers: Orphanet 140162, MedGen C0027672, MeSH D009386, MONDO:0015356.

Submission:

Ambry Genetics
Classification: Likely pathogenic for Hereditary cancer-predisposing syndrome. Last evaluated: 2021-04-28. Review status: criteria provided, single submitter. Criteria: Ambry Variant Classification Scheme 2023. Collection method: clinical testing. Allele origin: germline.
Comment: The c.1514delG variant, located in coding exon 15 of the MUTYH gene, results from a deletion of one nucleotide at nucleotide position 1514, causing a translational frameshift and an extension of the protein by 20 amino acids (p.C505Lfs*66). This alteration occurs at the 3' terminus of theMUTYH gene and is not expected to trigger nonsense-mediated mRNAdecay. A different variant which is predicted to result in the same elongation, c.1640delC (p.A547Efs*24), has been detected in a biallelic state in multiple patients with early-onset colorectal cancer and/or polyposis (Ambry internal data). Based on the majority of available evidence to date, this variant is likely to be pathogenic.